The following is an entry in ClinVar:

NM_001127222.2(CACNA1A):c.2955G>C (p.Pro985=)

Gene: CACNA1A (calcium voltage-gated channel subunit alpha1 A; minus strand). Cytogenetic location: 19p13.13.
Variant type: single nucleotide variant.
Coding change: c.2955G>C on transcript NM_001127222.2 (MANE Select); coding-DNA position 2955, G replaced by C.
Protein change: p.Pro985=; no amino-acid change (proline 985 retained).
Molecular consequence: synonymous variant.
Genome position (GRCh38, 1-based): chr19:13,298,678, C>G on the plus strand (G>C on the coding strand, the complement: CACNA1A is on the minus strand). VCF-style: chr19-13298678-C-G. GRCh37 (hg19) VCF-style: chr19-13409492-C-G.
Other names: c.2967G>C, p.Pro989= (NM_000068.4, NM_023035.3); c.2958G>C, p.Pro986= (NM_001127221.2, NM_001174080.2); c.2955G>C (NM_001127222.1).
Identifiers: ClinVar variation 387542 (VCV000387542.61), dbSNP rs749357610, ClinGen allele CA9240446.

ClinVar aggregate classification (germline): Benign/Likely benign. Review status: criteria provided, multiple submitters, no conflicts (2 of 4 stars). 10 submissions from 10 submitters: Benign (1); Likely benign (5). 4 of the submissions do not count toward it. Last evaluated 2026-01-17.

Conditions:
CACNA1A-related disorder. Also called: CACNA1A-related condition.
Inborn genetic diseases. Identifiers: MedGen C0950123, MeSH D030342.
Developmental and epileptic encephalopathy, 42 (DEE42A). Also called: DEVELOPMENTAL AND EPILEPTIC ENCEPHALOPATHY 42A; EPILEPTIC ENCEPHALOPATHY, EARLY INFANTILE, 42A; Epileptic encephalopathy, early infantile, 42. Identifiers: MedGen C4310716, MONDO:0014917, OMIM 617106.
Episodic ataxia type 2 (EA2). Also called: ATAXIA, EPISODIC, WITH NYSTAGMUS; ATAXIA, FAMILIAL PAROXYSMAL; CEREBELLAR ATAXIA, PAROXYSMAL, ACETAZOLAMIDE-RESPONSIVE; CEREBELLOPATHY, HEREDITARY PAROXYSMAL; ACETAZOLAMIDE-RESPONSIVE HEREDITARY PAROXYSMAL CEREBELLAR ATAXIA; EPISODIC ATAXIA, NYSTAGMUS-ASSOCIATED. Identifiers: Orphanet 97, MedGen C1720416, MONDO:0007163, OMIM 108500.

Allele frequency attached by ClinVar (database versions not stated): ExAC below 0.00001; TOPMed 0.00013; gnomAD 0.00017 and 0.00019; gnomAD exomes 0.00026.
gnomAD v4.1: 498 of 1,472,232 alleles (0.034%); highest among the groups gnomAD compares: Non-Finnish European, 0.043%; no homozygotes.

Submissions (10):

Labcorp Genetics (formerly Invitae), Labcorp
Classification: Likely benign for Developmental and epileptic encephalopathy, 42; Episodic ataxia type 2. Last evaluated: 2026-01-17. Review status: criteria provided, single submitter. Criteria: Invitae Variant Classification Sherloc (09022015). Collection method: clinical testing. Allele origin: germline.

Blueprint Genetics
Classification: Likely benign. Last evaluated: 2024-11-15. Review status: criteria provided, single submitter. Criteria: ACMG Guidelines, 2015. Collection method: clinical testing. Allele origin: germline.

CeGaT Center for Human Genetics Tuebingen
Classification: Likely benign. Last evaluated: 2024-09-01. Review status: criteria provided, single submitter. Criteria: CeGaT Center For Human Genetics Tuebingen Variant Classification Criteria Version 2. Collection method: clinical testing. Allele origin: germline. Affected: yes. Observed: 5 variant alleles.
Comment: CACNA1A: BP4, BP7

Athena Diagnostics
Classification: Benign. Last evaluated: 2024-02-16. Review status: criteria provided, single submitter. Criteria: Athena Diagnostics Criteria. Collection method: clinical testing. Allele origin: unknown.

GeneDx
Classification: Likely benign. Last evaluated: 2020-10-29. Review status: criteria provided, single submitter. Criteria: GeneDx Variant Classification Process June 2021. Collection method: clinical testing. Allele origin: germline. Affected: yes.

Ambry Genetics
Classification: Likely benign for Inborn genetic diseases. Last evaluated: 2016-08-08. Review status: criteria provided, single submitter. Criteria: Ambry Variant Classification Scheme 2023. Collection method: clinical testing. Allele origin: germline.

PreventionGenetics, part of Exact Sciences
Classification: Likely benign for CACNA1A-related condition. Last evaluated: 2019-06-06. Review status: no assertion criteria provided. Collection method: clinical testing. Allele origin: germline. Not counted in ClinVar's aggregate classification.
Comment: This variant is classified as likely benign based on ACMG/AMP sequence variant interpretation guidelines (Richards et al. 2015 PMID: 25741868, with internal and published modifications).

Clinical Genetics DNA and cytogenetics Diagnostics Lab, Erasmus MC, Erasmus Medical Center
Classification: Likely benign. Review status: no assertion criteria provided. Collection method: clinical testing. Allele origin: germline. Affected: yes. Study: VKGL Data-share Consensus. Not counted in ClinVar's aggregate classification.

Genome Diagnostics Laboratory, University Medical Center Utrecht
Classification: Likely benign. Review status: no assertion criteria provided. Collection method: clinical testing. Allele origin: germline. Affected: yes. Study: VKGL Data-share Consensus. Not counted in ClinVar's aggregate classification.

Laboratory of Diagnostic Genome Analysis, Leiden University Medical Center (LUMC)
Classification: Likely benign. Review status: no assertion criteria provided. Collection method: clinical testing. Allele origin: germline. Affected: yes. Study: VKGL Data-share Consensus. Not counted in ClinVar's aggregate classification.